The following is an entry in ClinVar:

NM_001164508.2(NEB):c.4339A>G (p.Ile1447Val)

Gene: NEB (nebulin; minus strand). Cytogenetic location: 2q23.3.
Variant type: single nucleotide variant.
Coding change: c.4339A>G on transcript NM_001164508.2 (MANE Select); coding-DNA position 4339, A replaced by G.
Protein change: p.Ile1447Val; replaces isoleucine 1447 with valine.
Molecular consequence: missense variant.
Genome position (GRCh38, 1-based): chr2:151,671,190, T>C on the plus strand (A>G on the coding strand, the complement: NEB is on the minus strand). VCF-style: chr2-151671190-T-C. GRCh37 (hg19) VCF-style: chr2-152527704-T-C.
Other names: c.4339A>G, p.Ile1447Val (NM_001164507.2, NM_001271208.2, NM_004543.5); short protein forms I1447V.
Identifiers: ClinVar variation 2147327 (VCV002147327.4), dbSNP rs1305720208, ClinGen allele CA348815942.

ClinVar aggregate classification (germline): Uncertain significance (1 of 4 stars; one submission).

Conditions:
Nemaline myopathy 2 (NEM2). Also called: Nemaline myopathy 2, autosomal recessive. Identifiers: MedGen C1850569, MONDO:0009725, OMIM 256030.

Submission:

Labcorp Genetics (formerly Invitae), Labcorp
Classification: Uncertain significance for Nemaline myopathy 2. Last evaluated: 2022-08-01. Review status: criteria provided, single submitter. Criteria: Invitae Variant Classification Sherloc (09022015). Collection method: clinical testing. Allele origin: germline.
Comment: Algorithms developed to predict the effect of missense changes on protein structure and function output the following: SIFT: "Deleterious"; PolyPhen-2: "Not Available"; Align-GVGD: "Class C0". The valine amino acid residue is found in multiple mammalian species, which suggests that this missense change does not adversely affect protein function. In summary, the available evidence is currently insufficient to determine the role of this variant in disease. Therefore, it has been classified as a Variant of Uncertain Significance. This variant has not been reported in the literature in individuals affected with NEB-related conditions. This variant is not present in population databases (gnomAD no frequency). This sequence change replaces isoleucine, which is neutral and non-polar, with valine, which is neutral and non-polar, at codon 1447 of the NEB protein (p.Ile1447Val).